The following is an entry in ClinVar:

NM_001903.5(CTNNA1):c.302-15C>T

Gene: CTNNA1 (catenin alpha 1; plus strand). Cytogenetic location: 5q31.2.
Variant type: single nucleotide variant.
Coding change: c.302-15C>T on transcript NM_001903.5 (MANE Select); 15 bases into the intron before coding-DNA position 302, C replaced by T.
Molecular consequence: intron variant.
Genome position (GRCh38, 1-based): chr5:138,810,023, C>T. VCF-style: chr5-138810023-C-T. GRCh37 (hg19) VCF-style: chr5-138145712-C-T.
Other names: c.302-15C>T (NM_001323982.2, NM_001323984.2, NM_001290307.3 and 3 more transcripts); c.-5-78C>T (NM_001290310.3); c.-8-15C>T (NM_001290309.3).
Identifiers: ClinVar variation 3773480 (VCV003773480.1).

ClinVar aggregate classification (germline): Likely benign (1 of 4 stars; one submission).

Conditions:
Hereditary diffuse gastric adenocarcinoma (HDGC). Also called: DIFFUSE GASTRIC AND LOBULAR BREAST CANCER SYNDROME. Identifiers: Orphanet 26106, MedGen C1708349, MONDO:0007648, OMIM 137215.

Submission:

Myriad Genetics, Inc.
Classification: Likely benign for Hereditary diffuse gastric adenocarcinoma. Last evaluated: 2024-10-09. Review status: criteria provided, single submitter. Criteria: Myriad Autosomal Dominant, Autosomal Recessive and X-Linked Classification Criteria (2023). Collection method: clinical testing. Allele origin: unknown.
Comment: This variant is considered likely benign. This variant is intronic and is not expected to impact mRNA splicing.